The following is an entry in ClinVar:

NM_001371623.1(TCOF1):c.3192GAA[1] (p.Lys1065del)

Gene: TCOF1 (treacle ribosome biogenesis factor 1; plus strand). Cytogenetic location: 5q32.
Variant type: Microsatellite.
Coding change: c.3192GAA[1] on transcript NM_001371623.1 (MANE Select); one copy of the 3-base unit GAA starting at c.3192; the reference has two copies in a row; one copy, 3 bases deleted.
Protein change: p.Lys1065del; deletes lysine 1065.
Molecular consequence: intron variant (on NM_001135244.2).
Genome position (GRCh38, 1-based): chr5:150,391,555-150,391,557, GAA deleted; deleting any 3 consecutive bases within chr5:150,391,550-150,391,557 gives the same sequence; the position shown is the placement nearest the transcript's 3' end. VCF-style (leftmost placement, unchanged base first): chr5-150391549-AAAG-A. GRCh37 (hg19) VCF-style: chr5-149771112-AAAG-A.
Other names: c.3195_3197del (NM_001135243.1); c.2961GAA[1], p.Lys988del (NM_000356.4, NM_001135245.2); c.3192GAA[1], p.Lys1065del (NM_001135243.2); c.3184-402_3184-400del (NM_001135244.2, NM_001195141.2); short protein forms K1065del, K988del.
Identifiers: ClinVar variation 3665429 (VCV003665429.3).

ClinVar aggregate classification (germline): Uncertain significance. Review status: criteria provided, multiple submitters, no conflicts (2 of 4 stars). 2 submissions from 2 submitters: Uncertain significance (2). Last evaluated 2025-07-21.

Conditions:
Treacher Collins syndrome 1 (TCS1). Also called: TCOF1-Related Treacher Collins Syndrome. Identifiers: Orphanet 861, MedGen CN315775, MONDO:0007944, OMIM 154500.

Submissions (2):

GeneDx
Classification: Uncertain significance. Last evaluated: 2025-07-21. Review status: criteria provided, single submitter. Criteria: GeneDx Variant Classification Process June 2021. Collection method: clinical testing. Allele origin: germline. Affected: yes.
Comment: In-frame deletion of 1 amino acid(s) in a non-repeat region; In silico analysis suggests that this variant does not alter protein structure/function; Has not been previously published as pathogenic or benign to our knowledge

Labcorp Genetics (formerly Invitae), Labcorp
Classification: Uncertain significance for Treacher Collins syndrome 1. Last evaluated: 2025-07-10. Review status: criteria provided, single submitter. Criteria: Invitae Variant Classification Sherloc (09022015). Collection method: clinical testing. Allele origin: germline.
Comment: This variant, c.3195_3197del, results in the deletion of 1 amino acid(s) of the TCOF1 protein (p.Lys1065del), but otherwise preserves the integrity of the reading frame. This variant is present in population databases (rs755774408, gnomAD 0.006%). This variant has not been reported in the literature in individuals affected with TCOF1-related conditions. In summary, the available evidence is currently insufficient to determine the role of this variant in disease. Therefore, it has been classified as a Variant of Uncertain Significance.